The following is an entry in ClinVar:

NM_173543.3(DZIP1L):c.1375C>T (p.Leu459=)

Gene: DZIP1L (DAZ interacting zinc finger protein 1 like; minus strand). Cytogenetic location: 3q22.3.
Variant type: single nucleotide variant.
Coding change: c.1375C>T on transcript NM_173543.3 (MANE Select); coding-DNA position 1375, C replaced by T.
Protein change: p.Leu459=; no amino-acid change (leucine 459 retained).
Molecular consequence: synonymous variant.
Genome position (GRCh38, 1-based): chr3:138,077,546, G>A on the plus strand (C>T on the coding strand, the complement: DZIP1L is on the minus strand). VCF-style: chr3-138077546-G-A. GRCh37 (hg19) VCF-style: chr3-137796388-G-A.
Other names: c.1375C>T, p.Leu459= (NM_001170538.1).
Identifiers: ClinVar variation 3778491 (VCV003778491.7).
Genomic context (GRCh38, chr3:138,077,546, plus strand): 5'-CCCTGAAACTCACCTTCCTTATCCCCATGCTTTCGAGCTTCTCTTCCAGGGTGTCCTCCA[G>A]GATTGGTCTGAAGTGCTTCAGCAAAGTGGGGTTACGCCTCAGAGCTGCCAGCACCTTGTG-3'
Protein context (NP_775814.2, residues 449-469): PTLLKHFRPI[Leu459=]EDTLEEKLES

ClinVar aggregate classification (germline): Likely benign (1 of 4 stars; one submission).

Submission:

CeGaT Center for Human Genetics Tuebingen
Classification: Likely benign. Last evaluated: 2025-03-01. Review status: criteria provided, single submitter. Criteria: CeGaT Center For Human Genetics Tuebingen Variant Classification Criteria Version 2. Collection method: clinical testing. Allele origin: germline. Affected: yes. Observed: 1 variant allele.
Comment: DZIP1L: PM2:Supporting, BP4, BP7